The following is an entry in ClinVar:

ClinVar aggregate classification (germline): Uncertain significance (1 of 4 stars; one submission).

Conditions:
Neurofibromatosis, type 2 (SWNV). Also called: BILATERAL ACOUSTIC NEUROFIBROMATOSIS; NF2-Related Schwannomatosis; SCHWANNOMATOSIS, VESTIBULAR. Identifiers: Orphanet 637, MedGen C0027832, MONDO:0007039, OMIM 101000. Disease mechanism: loss of function.

Submission:

Labcorp Genetics (formerly Invitae), Labcorp
Classification: Uncertain significance for Neurofibromatosis, type 2. Last evaluated: 2021-03-17. Review status: criteria provided, single submitter. Criteria: Invitae Variant Classification Sherloc (09022015). Collection method: clinical testing. Allele origin: germline.
Comment: Algorithms developed to predict the effect of missense changes on protein structure and function (SIFT, PolyPhen-2, Align-GVGD) all suggest that this variant is likely to be tolerated, but these predictions have not been confirmed by published functional studies and their clinical significance is uncertain. In summary, the available evidence is currently insufficient to determine the role of this variant in disease. Therefore, it has been classified as a Variant of Uncertain Significance. This variant has not been reported in the literature in individuals with NF2-related conditions. This variant is not present in population databases (ExAC no frequency). This sequence change replaces methionine with threonine at codon 519 of the NF2 protein (p.Met519Thr). The methionine residue is highly conserved and there is a moderate physicochemical difference between methionine and threonine.

NM_000268.4(NF2):c.1556T>C (p.Met519Thr)

Gene: NF2 (NF2, moesin-ezrin-radixin like (MERLIN) tumor suppressor; plus strand). Cytogenetic location: 22q12.2.
Variant type: single nucleotide variant.
Coding change: c.1556T>C on transcript NM_000268.4 (MANE Select); coding-DNA position 1556, T replaced by C.
Protein change: p.Met519Thr; replaces methionine 519 with threonine.
Molecular consequence: missense variant. On other transcripts: intron variant (1), non-coding transcript variant (1).
Genome position (GRCh38, 1-based): chr22:29,678,305, T>C. VCF-style: chr22-29678305-T-C. GRCh37 (hg19) VCF-style: chr22-30074294-T-C.
Other names: c.448-16447T>C (NM_181833.3); c.1556T>C, p.Met519Thr (NM_016418.5, NM_181825.3, NM_181832.3); c.1430T>C, p.Met477Thr (NM_181828.3); c.1433T>C, p.Met478Thr (NM_181829.3); c.1307T>C, p.Met436Thr (NM_181830.3, NM_181831.3); short protein forms M478T, M519T, M436T, M477T.
Identifiers: ClinVar variation 1390081 (VCV001390081.8), dbSNP rs2147108867, ClinGen allele CA411149774.